The following is an entry in ClinVar:

ClinVar aggregate classification (germline): Pathogenic. Review status: criteria provided, multiple submitters, no conflicts (2 of 4 stars). 2 submissions from 2 submitters: Pathogenic (2). Last evaluated 2025-04-06.

Conditions:
Capillary malformation-arteriovenous malformation syndrome. Also called: Capillary malformation-arteriovenous malformation. Identifiers: Orphanet 137667, MedGen C1842180, MONDO:0012016.

Submissions (2):

Labcorp Genetics (formerly Invitae), Labcorp
Classification: Pathogenic for Capillary malformation-arteriovenous malformation syndrome. Last evaluated: 2025-04-06. Review status: criteria provided, single submitter. Criteria: Invitae Variant Classification Sherloc (09022015). Collection method: clinical testing. Allele origin: germline.
Comment: This sequence change creates a premature translational stop signal (p.Gln624*) in the RASA1 gene. It is expected to result in an absent or disrupted protein product. Loss-of-function variants in RASA1 are known to be pathogenic (PMID: 24038909). This variant is not present in population databases (gnomAD no frequency). This premature translational stop signal has been observed in individual(s) with capillary malformation-arteriovenous malformation (PMID: 18446851, 29891884). ClinVar contains an entry for this variant (Variation ID: 1316663). For these reasons, this variant has been classified as Pathogenic.

GeneDx
Classification: Pathogenic. Last evaluated: 2021-04-14. Review status: criteria provided, single submitter. Criteria: GeneDx Variant Classification Process June 2021. Collection method: clinical testing. Allele origin: germline. Affected: yes.
Comment: Not observed in large population cohorts (Lek et al., 2016); Nonsense variant predicted to result in protein truncation or nonsense mediated decay in a gene for which loss-of-function is a known mechanism of disease; This variant is associated with the following publications: (PMID: 25525159, 24038909, 29891884, 18446851)

Literature cited by the submitters: PubMed 24038909 (cited by Labcorp Genetics (formerly Invitae), Labcorp); PubMed 18446851 (cited by Labcorp Genetics (formerly Invitae), Labcorp); PubMed 29891884 (cited by Labcorp Genetics (formerly Invitae), Labcorp).

NM_002890.3(RASA1):c.1870C>T (p.Gln624Ter)

Genes: CCNH (cyclin H; minus strand), RASA1 (RAS p21 protein activator 1; plus strand). Cytogenetic location: 5q14.3.
Variant type: single nucleotide variant.
Coding change: c.1870C>T on transcript NM_002890.3 (MANE Select); coding-DNA position 1870, C replaced by T.
Protein change: p.Gln624Ter; replaces glutamine 624 with a stop codon.
Molecular consequence: nonsense. On other transcripts: intron variant (1).
Genome position (GRCh38, 1-based): chr5:87,374,256, C>T. VCF-style: chr5-87374256-C-T. GRCh37 (hg19) VCF-style: chr5-86670073-C-T.
Other names: c.1339C>T, p.Gln447Ter (NM_022650.3); c.933+20788G>A (NM_001364075.2); short protein forms Q447*, Q624*.
Identifiers: ClinVar variation 1316663 (VCV001316663.4), dbSNP rs2112484882, ClinGen allele CA360374694.
Genomic context (GRCh38, chr5:87,374,256, plus strand): 5'-CATAAACTCCCAGTAAAACATTTTACTAATCCATATTGTAACATCTACCTGAATAGTGTC[C>T]AAGTAGCAAAAACTCATGCAAGGGAAGGGCAAAACCCAGTATGGTCAGAAGAGTTTGTCT-3'